The following is an entry in ClinVar:

ClinVar aggregate classification (germline): Uncertain significance (1 of 4 stars; one submission).

gnomAD v4.1: 13 of 1,613,972 alleles (0.00081%); highest among the groups gnomAD compares: African/African-American, 0.0027%; no homozygotes.

Submission:

GeneDx
Classification: Uncertain significance. Last evaluated: 2020-02-01. Review status: criteria provided, single submitter. Criteria: GeneDx Variant Classification Process June 2021. Collection method: clinical testing. Allele origin: germline. Affected: yes.
Comment: Not observed at a significant frequency in large population cohorts (Lek et al., 2016); In silico analysis supports that this missense variant has a deleterious effect on protein structure/function; Has not been previously published as pathogenic or benign to our knowledge

NM_001372.4(DNAH9):c.3926T>C (p.Ile1309Thr)

Gene: DNAH9 (dynein axonemal heavy chain 9; plus strand). Cytogenetic location: 17p12.
Variant type: single nucleotide variant.
Coding change: c.3926T>C on transcript NM_001372.4 (MANE Select); coding-DNA position 3926, T replaced by C.
Protein change: p.Ile1309Thr; replaces isoleucine 1309 with threonine.
Molecular consequence: missense variant.
Genome position (GRCh38, 1-based): chr17:11,689,748, T>C. VCF-style: chr17-11689748-T-C. GRCh37 (hg19) VCF-style: chr17-11593065-T-C.
Other names: short protein forms I1309T.
Identifiers: ClinVar variation 1311785 (VCV001311785.2), dbSNP rs139705730, ClinGen allele CA398186037.